The following is an entry in ClinVar:

NM_001128840.3(CACNA1D):c.5653C>T (p.His1885Tyr)

Gene: CACNA1D (calcium voltage-gated channel subunit alpha1 D; plus strand). Cytogenetic location: 3p21.1.
Variant type: single nucleotide variant.
Coding change: c.5653C>T on transcript NM_001128840.3 (MANE Select); coding-DNA position 5653, C replaced by T.
Protein change: p.His1885Tyr; replaces histidine 1885 with tyrosine.
Molecular consequence: missense variant.
Genome position (GRCh38, 1-based): chr3:53,805,050, C>T. VCF-style: chr3-53805050-C-T. GRCh37 (hg19) VCF-style: chr3-53839077-C-T.
Other names: c.5713C>T, p.His1905Tyr (NM_000720.4); c.5581C>T, p.His1861Tyr (NM_001128839.3); short protein forms H1905Y, H1861Y, H1885Y.
Identifiers: ClinVar variation 4766427 (VCV004766427.1).

ClinVar aggregate classification (germline): Uncertain significance (1 of 4 stars; one submission).

gnomAD v4.1: 2 of 1,614,112 alleles (0.00012%); highest among the groups gnomAD compares: Admixed American, 0.0017%; no homozygotes.

Submission:

Labcorp Genetics (formerly Invitae), Labcorp
Classification: Uncertain significance. Last evaluated: 2025-06-14. Review status: criteria provided, single submitter. Criteria: Invitae Variant Classification Sherloc (09022015). Collection method: clinical testing. Allele origin: germline.
Comment: This sequence change replaces histidine, which is basic and polar, with tyrosine, which is neutral and polar, at codon 1905 of the CACNA1D protein (p.His1905Tyr). This variant is present in population databases (rs769332902, gnomAD 0.003%). This variant has not been reported in the literature in individuals affected with CACNA1D-related conditions. An algorithm developed to predict the effect of missense changes on protein structure and function (PolyPhen-2) suggests that this variant is likely to be tolerated. In summary, the available evidence is currently insufficient to determine the role of this variant in disease. Therefore, it has been classified as a Variant of Uncertain Significance.